The following is an entry in ClinVar:

NM_001253852.3(AP4B1):c.678A>C (p.Gln226His)

Genes: AP4B1 (adaptor related protein complex 4 subunit beta 1; minus strand), AP4B1-AS1 (AP4B1 antisense RNA 1; plus strand). Cytogenetic location: 1p13.2.
Variant type: single nucleotide variant.
Coding change: c.678A>C on transcript NM_001253852.3 (MANE Select); coding-DNA position 678, A replaced by C.
Protein change: p.Gln226His; replaces glutamine 226 with histidine.
Molecular consequence: missense variant. On other transcripts: non-coding transcript variant (2).
Genome position (GRCh38, 1-based): chr1:113,900,340, T>G on the plus strand (A>C on the coding strand, the complement: AP4B1 is on the minus strand). VCF-style: chr1-113900340-T-G. GRCh37 (hg19) VCF-style: chr1-114442962-T-G.
Other names: c.381A>C, p.Gln127His (NM_001253853.3); c.174A>C, p.Gln58His (NM_001308312.2); c.678A>C, p.Gln226His (NM_006594.5); short protein forms Q127H, Q58H, Q226H.
Identifiers: ClinVar variation 2048203 (VCV002048203.4), dbSNP rs771093512, ClinGen allele CA341713913.

ClinVar aggregate classification (germline): Uncertain significance (1 of 4 stars; one submission).

Conditions:
Hereditary spastic paraplegia 47. Also called: Spastic paraplegia 47, autosomal recessive; CEREBRAL PALSY, SPASTIC QUADRIPLEGIC, 5; adaptor protein 4 (AP-4) deficiency syndrome. Identifiers: Orphanet 280763, MedGen C3279738, MONDO:0013551, OMIM 614066.

gnomAD v4.1: 10 of 1,611,266 alleles (0.00062%); highest among the groups gnomAD compares: Non-Finnish European, 0.00085%; no homozygotes.

Submission:

Labcorp Genetics (formerly Invitae), Labcorp
Classification: Uncertain significance for Hereditary spastic paraplegia 47. Last evaluated: 2022-01-17. Review status: criteria provided, single submitter. Criteria: Invitae Variant Classification Sherloc (09022015). Collection method: clinical testing. Allele origin: germline.
Comment: In summary, the available evidence is currently insufficient to determine the role of this variant in disease. Therefore, it has been classified as a Variant of Uncertain Significance. Algorithms developed to predict the effect of missense changes on protein structure and function are either unavailable or do not agree on the potential impact of this missense change (SIFT: "Tolerated"; PolyPhen-2: "Possibly Damaging"; Align-GVGD: "Class C0"). This variant has not been reported in the literature in individuals affected with AP4B1-related conditions. This variant is not present in population databases (gnomAD no frequency). This sequence change replaces glutamine, which is neutral and polar, with histidine, which is basic and polar, at codon 226 of the AP4B1 protein (p.Gln226His).